The following is an entry in ClinVar:

NM_000059.4(BRCA2):c.303C>A (p.Phe101Leu)

Gene: BRCA2 (BRCA2 DNA repair associated; plus strand). Cytogenetic location: 13q13.1.
Variant type: single nucleotide variant.
Coding change: c.303C>A on transcript NM_000059.4 (MANE Select); coding-DNA position 303, C replaced by A.
Protein change: p.Phe101Leu; replaces phenylalanine 101 with leucine.
Molecular consequence: missense variant.
Genome position (GRCh38, 1-based): chr13:32,319,312, C>A. VCF-style: chr13-32319312-C-A. GRCh37 (hg19) VCF-style: chr13-32893449-C-A.
Other names: 531C>A; short protein forms F101L.
Identifiers: ClinVar variation 37816 (VCV000037816.11), dbSNP rs397507301, ClinGen allele CA017077.

ClinVar aggregate classification (germline): Uncertain significance. Review status: criteria provided, multiple submitters, no conflicts (2 of 4 stars). 3 submissions from 3 submitters: Uncertain significance (2). 1 of the submissions does not count toward it. Last evaluated 2022-11-22.

Conditions:
Hereditary cancer-predisposing syndrome. Also called: Tumor predisposition; Neoplastic Syndromes, Hereditary; Hereditary neoplastic syndrome; Hereditary Cancer Syndrome. Identifiers: Orphanet 140162, MedGen C0027672, MeSH D009386, MONDO:0015356.
Hereditary breast ovarian cancer syndrome. Also called: Hereditary breast and ovarian cancer; Hereditary breast and ovarian cancer syndrome (HBOC); Hereditary breast and/or ovarian cancer syndrome; Breast and ovarian cancer; Hereditary breast and ovarian cancer syndrome; BRCA1- and BRCA2-Associated Hereditary Breast and Ovarian Cancer. Identifiers: Orphanet 145, MedGen C0677776, MeSH D061325, MONDO:0003582. Disease mechanism: loss of function.
Breast-ovarian cancer, familial, susceptibility to, 2 (BROVCA2). Also called: BRCA2 Hereditary Breast and Ovarian Cancer. Identifiers: Orphanet 145, MedGen C2675520, MONDO:0012933, OMIM 612555. Disease mechanism: loss of function.

Allele frequency attached by ClinVar (database versions not stated): TOPMed below 0.00001; gnomAD 0.00001.
gnomAD v4.1: 1 of 1,613,124 alleles (0.000062%); highest among the groups gnomAD compares: African/African-American, 0.0013%; no homozygotes.

Submissions (3):

Ambry Genetics
Classification: Uncertain significance for Hereditary cancer-predisposing syndrome. Last evaluated: 2022-11-22. Review status: criteria provided, single submitter. Criteria: Ambry Variant Classification Scheme 2023. Collection method: clinical testing. Allele origin: germline.
Comment: The p.F101L variant (also known as c.303C>A), located in coding exon 2 of the BRCA2 gene, results from a C to A substitution at nucleotide position 303. The phenylalanine at codon 101 is replaced by leucine, an amino acid with highly similar properties. This amino acid position is poorly conserved in available vertebrate species. In addition, this alteration is predicted to be tolerated by in silico analysis. Since supporting evidence is limited at this time, the clinical significance of this alteration remains unclear.

Labcorp Genetics (formerly Invitae), Labcorp
Classification: Uncertain significance for Hereditary breast ovarian cancer syndrome. Last evaluated: 2022-07-13. Review status: criteria provided, single submitter. Criteria: Invitae Variant Classification Sherloc (09022015). Collection method: clinical testing. Allele origin: germline.
Comment: This sequence change replaces phenylalanine, which is neutral and non-polar, with leucine, which is neutral and non-polar, at codon 101 of the BRCA2 protein (p.Phe101Leu). This variant is present in population databases (rs397507301, gnomAD 0.01%). This variant has not been reported in the literature in individuals affected with BRCA2-related conditions. ClinVar contains an entry for this variant (Variation ID: 37816). Advanced modeling of protein sequence and biophysical properties (such as structural, functional, and spatial information, amino acid conservation, physicochemical variation, residue mobility, and thermodynamic stability) performed at Invitae indicates that this missense variant is not expected to disrupt BRCA2 protein function. In summary, the available evidence is currently insufficient to determine the role of this variant in disease. Therefore, it has been classified as a Variant of Uncertain Significance.

Sharing Clinical Reports Project (SCRP)
Classification: Uncertain significance for Breast-ovarian cancer, familial 2. Last evaluated: 2012-02-23. Review status: no assertion criteria provided. Collection method: clinical testing. Allele origin: germline. Not counted in ClinVar's aggregate classification.